The following is an entry in ClinVar:

NM_176824.3(BBS7):c.1574T>G (p.Val525Gly)

Gene: BBS7 (Bardet-Biedl syndrome 7; minus strand). Cytogenetic location: 4q27.
Variant type: single nucleotide variant.
Coding change: c.1574T>G on transcript NM_176824.3 (MANE Select); coding-DNA position 1574, T replaced by G.
Protein change: p.Val525Gly; replaces valine 525 with glycine.
Molecular consequence: missense variant.
Genome position (GRCh38, 1-based): chr4:121,833,333, A>C on the plus strand (T>G on the coding strand, the complement: BBS7 is on the minus strand). VCF-style: chr4-121833333-A-C. GRCh37 (hg19) VCF-style: chr4-122754488-A-C.
Other names: c.1574T>G, p.Val525Gly (NM_018190.4); short protein forms V525G.
Identifiers: ClinVar variation 940885 (VCV000940885.10), dbSNP rs746759579, ClinGen allele CA3064185.

ClinVar aggregate classification (germline): Uncertain significance. Review status: criteria provided, multiple submitters, no conflicts (2 of 4 stars). 4 submissions from 4 submitters: Uncertain significance (4). Last evaluated 2025-07-02.

Conditions:
BBS7-related disorder. Also called: BBS7-related condition.
Inborn genetic diseases. Identifiers: MedGen C0950123, MeSH D030342.
Bardet-Biedl syndrome 7 (BBS7). Identifiers: Orphanet 110, MedGen C1859565, MONDO:0014435, OMIM 615984.
Bardet-Biedl syndrome (BBS). Identifiers: Orphanet 110, MedGen C0752166, MONDO:0015229.

Allele frequency attached by ClinVar (database versions not stated): gnomAD exomes 0.00001; ExAC 0.00002; TOPMed 0.00002.
gnomAD v4.1: 4 of 1,614,012 alleles (0.00025%); highest among the groups gnomAD compares: Admixed American, 0.0067%; no homozygotes.

Submissions (4):

PreventionGenetics, part of Exact Sciences
Classification: Uncertain significance for BBS7-related condition. Last evaluated: 2025-07-02. Review status: criteria provided, single submitter. Criteria: ACMG Guidelines, 2015. Collection method: clinical testing. Allele origin: germline.
Comment: The BBS7 c.1574T>G variant is predicted to result in the amino acid substitution p.Val525Gly. To our knowledge, this variant has not been reported in the literature. This variant is reported in 0.0087% of alleles in individuals of Latino descent in gnomAD. At this time, the clinical significance of this variant is uncertain due to the absence of conclusive functional and genetic evidence.

Ambry Genetics
Classification: Uncertain significance for Inborn genetic diseases. Last evaluated: 2025-02-08. Review status: criteria provided, single submitter. Criteria: Ambry Variant Classification Scheme 2023. Collection method: clinical testing. Allele origin: germline.

Labcorp Genetics (formerly Invitae), Labcorp
Classification: Uncertain significance for Bardet-Biedl syndrome. Last evaluated: 2024-10-22. Review status: criteria provided, single submitter. Criteria: Invitae Variant Classification Sherloc (09022015). Collection method: clinical testing. Allele origin: germline.
Comment: This sequence change replaces valine, which is neutral and non-polar, with glycine, which is neutral and non-polar, at codon 525 of the BBS7 protein (p.Val525Gly). This variant is present in population databases (rs746759579, gnomAD 0.009%). This variant has not been reported in the literature in individuals affected with BBS7-related conditions. ClinVar contains an entry for this variant (Variation ID: 940885). Invitae Evidence Modeling of protein sequence and biophysical properties (such as structural, functional, and spatial information, amino acid conservation, physicochemical variation, residue mobility, and thermodynamic stability) indicates that this missense variant is not expected to disrupt BBS7 protein function with a negative predictive value of 80%. In summary, the available evidence is currently insufficient to determine the role of this variant in disease. Therefore, it has been classified as a Variant of Uncertain Significance.

Fulgent Genetics
Classification: Uncertain significance for Bardet-Biedl syndrome 7. Last evaluated: 2024-02-11. Review status: criteria provided, single submitter. Criteria: ACMG Guidelines, 2015. Collection method: clinical testing. Allele origin: germline.